The following is an entry in ClinVar:

NM_022773.4(LMF1):c.410C>G (p.Ser137Trp)

Gene: LMF1 (lipase maturation factor 1; minus strand). Cytogenetic location: 16p13.3.
Variant type: single nucleotide variant.
Coding change: c.410C>G on transcript NM_022773.4 (MANE Select); coding-DNA position 410, C replaced by G.
Protein change: p.Ser137Trp; replaces serine 137 with tryptophan.
Molecular consequence: missense variant. On other transcripts: 5 prime UTR variant (3), non-coding transcript variant (1).
Genome position (GRCh38, 1-based): chr16:954,450, G>C on the plus strand (C>G on the coding strand, the complement: LMF1 is on the minus strand). VCF-style: chr16-954450-G-C. GRCh37 (hg19) VCF-style: chr16-1004450-G-C.
Other names: c.-394C>G (NM_001352017.2); c.-145C>G (NM_001352018.2); c.83C>G, p.Ser28Trp (NM_001352019.2); c.410C>G, p.Ser137Trp (NM_001352020.1); c.-296C>G (NM_001352021.2); short protein forms S28W, S137W.
Identifiers: ClinVar variation 4995812 (VCV004995812.1).

ClinVar aggregate classification (germline): Uncertain significance (1 of 4 stars; one submission).

Conditions:
LMF1-related disorder. Also called: LMF1-related condition.

Submission:

PreventionGenetics, part of Exact Sciences
Classification: Uncertain significance for LMF1-related condition. Last evaluated: 2025-12-19. Review status: criteria provided, single submitter. Criteria: ACMG Guidelines, 2015. Collection method: clinical testing. Allele origin: germline.
Comment: The LMF1 c.410C>G variant is predicted to result in the amino acid substitution p.Ser137Trp. To our knowledge, this variant has not been reported in the literature; however, an alternate nucleotide change affecting the same amino acid (c.410C>T, p.Ser137Leu) has been reported in individuals with severe hypertriglyceridemia (Péterfy et al. 2018. PubMed ID: 30172716). This variant is not reported in a large population database (gnomAD), indicating this variant is rare. Although we suspect that this variant may be pathogenic, at this time, the clinical significance of this variant is uncertain due to the absence of conclusive functional and genetic evidence.